The following is an entry in ClinVar:

NM_173689.7(CRB2):c.1055-3A>G

Gene: CRB2 (crumbs cell polarity complex component 2; plus strand). Cytogenetic location: 9q33.3.
Variant type: single nucleotide variant.
Coding change: c.1055-3A>G on transcript NM_173689.7 (MANE Select); 3 bases into the intron before coding-DNA position 1055, A replaced by G.
Molecular consequence: intron variant.
Genome position (GRCh38, 1-based): chr9:123,370,105, A>G. VCF-style: chr9-123370105-A-G. GRCh37 (hg19) VCF-style: chr9-126132384-A-G.
Identifiers: ClinVar variation 2112356 (VCV002112356.4), dbSNP rs2550684303, ClinGen allele CA2580079525.

ClinVar aggregate classification (germline): Uncertain significance (1 of 4 stars; one submission).

Submission:

Labcorp Genetics (formerly Invitae), Labcorp
Classification: Uncertain significance. Last evaluated: 2022-03-15. Review status: criteria provided, single submitter. Criteria: Invitae Variant Classification Sherloc (09022015). Collection method: clinical testing. Allele origin: germline.
Comment: This sequence change falls in intron 6 of the CRB2 gene. It does not directly change the encoded amino acid sequence of the CRB2 protein. It affects a nucleotide within the consensus splice site. In summary, the available evidence is currently insufficient to determine the role of this variant in disease. Therefore, it has been classified as a Variant of Uncertain Significance. Variants that disrupt the consensus splice site are a relatively common cause of aberrant splicing (PMID: 17576681, 9536098). Algorithms developed to predict the effect of sequence changes on RNA splicing suggest that this variant may disrupt the consensus splice site. This variant has not been reported in the literature in individuals affected with CRB2-related conditions. This variant is not present in population databases (gnomAD no frequency).

Literature cited by the submitters: PubMed 17576681; PubMed 9536098.